The following is an entry in ClinVar:

ClinVar aggregate classification (germline): Uncertain significance (1 of 4 stars; one submission).

Submission:

GeneDx
Classification: Uncertain significance. Last evaluated: 2024-08-01. Review status: criteria provided, single submitter. Criteria: GeneDx Variant Classification Process June 2021. Collection method: clinical testing. Allele origin: germline.
Comment: In silico analysis indicates that this missense variant does not alter protein structure/function; Has not been previously published as pathogenic or benign to our knowledge

NM_001110556.2(FLNA):c.5421G>C (p.Glu1807Asp)

Gene: FLNA (filamin A; minus strand). Cytogenetic location: Xq28.
Variant type: single nucleotide variant.
Coding change: c.5421G>C on transcript NM_001110556.2 (MANE Select); coding-DNA position 5421, G replaced by C.
Protein change: p.Glu1807Asp; replaces glutamic acid 1807 with aspartic acid.
Molecular consequence: missense variant.
Genome position (GRCh38, 1-based): chrX:154,354,287, C>G on the plus strand (G>C on the coding strand, the complement: FLNA is on the minus strand). VCF-style: chrX-154354287-C-G. GRCh37 (hg19) VCF-style: chrX-153582655-C-G.
Other names: c.5397G>C, p.Glu1799Asp (NM_001456.4); short protein forms E1799D, E1807D.
Identifiers: ClinVar variation 3253336 (VCV003253336.2), dbSNP rs2522726632.